The following is an entry in ClinVar:

NM_000384.3(APOB):c.12038T>C (p.Met4013Thr)

Gene: APOB (apolipoprotein B; minus strand). Cytogenetic location: 2p24.1.
Variant type: single nucleotide variant.
Coding change: c.12038T>C on transcript NM_000384.3 (MANE Select); coding-DNA position 12038, T replaced by C.
Protein change: p.Met4013Thr; replaces methionine 4013 with threonine.
Molecular consequence: missense variant.
Genome position (GRCh38, 1-based): chr2:21,004,318, A>G on the plus strand (T>C on the coding strand, the complement: APOB is on the minus strand). VCF-style: chr2-21004318-A-G. GRCh37 (hg19) VCF-style: chr2-21227190-A-G.
Other names: short protein forms M4013T.
Identifiers: ClinVar variation 544080 (VCV000544080.25), dbSNP rs144922840, ClinGen allele CA048768.

ClinVar aggregate classification (germline): Conflicting classifications of pathogenicity. Review status: criteria provided, conflicting classifications (1 of 4 stars). 4 submissions from 4 submitters: Uncertain significance (2); Likely benign (2). Last evaluated 2025-12-19.

Conditions:
Familial hypobetalipoproteinemia 1. Also called: Hypobetalipoproteinemia, normotriglyceridemic; Acanthocytosis with hypobetalipoproteinemia; APOB-Related Familial Hypobetalipoproteinemia. Identifiers: MedGen C4551990, MONDO:0014252, OMIM 615558.
Hypercholesterolemia, autosomal dominant, type B (FHCL2). Also called: Familial Hypercholesterolemia Type B; APOLIPOPROTEIN B-100, FAMILIAL DEFECTIVE; APOLIPOPROTEIN B-100, FAMILIAL LIGAND-DEFECTIVE; Familial hypercholesterolemia 2; Hyperlipoproteinemia Type IIb; APOB-Related Familial Hypercholesterolemia, Autosomal Dominant. Identifiers: MedGen C1704417, MONDO:0007751, OMIM 144010.
Cardiovascular phenotype. Identifiers: MedGen CN230736.

Allele frequency attached by ClinVar (database versions not stated): ExAC 0.00004; gnomAD exomes 0.00005 and 0.00007; TOPMed 0.00007; gnomAD 0.00008 and 0.00009; ESP Exome Variant Server 0.00015.
gnomAD v4.1: 112 of 1,613,876 alleles (0.0069%); highest among the groups gnomAD compares: Non-Finnish European, 0.009%; no homozygotes.

Submissions (4):

Labcorp Genetics (formerly Invitae), Labcorp
Classification: Likely benign for Familial hypobetalipoproteinemia 1; Hypercholesterolemia, autosomal dominant, type B. Last evaluated: 2025-12-19. Review status: criteria provided, single submitter. Criteria: Invitae Variant Classification Sherloc (09022015). Collection method: clinical testing. Allele origin: germline.

Ambry Genetics
Classification: Uncertain significance for Cardiovascular phenotype. Last evaluated: 2025-06-09. Review status: criteria provided, single submitter. Criteria: Ambry Variant Classification Scheme 2023. Collection method: clinical testing. Allele origin: germline.
Comment: The p.M4013T variant (also known as c.12038T>C), located in coding exon 28 of the APOB gene, results from a T to C substitution at nucleotide position 12038. The methionine at codon 4013 is replaced by threonine, an amino acid with similar properties. This amino acid position is conserved. In addition, this alteration is predicted to be tolerated by in silico analysis. Since supporting evidence is limited at this time, the clinical significance of this alteration remains unclear.

Quest Diagnostics Nichols Institute San Juan Capistrano
Classification: Uncertain significance. Last evaluated: 2025-03-06. Review status: criteria provided, single submitter. Criteria: Quest Diagnostics criteria. Collection method: clinical testing. Allele origin: unknown.
Comment: The APOB c.12038T>C (p.Met4013Thr) variant has not been reported in individuals with APOB-related conditions in the published literature. The frequency of this variant in the general population (Genome Aggregation Database) is uninformative in the assessment of its pathogenicity. Analysis of this variant using bioinformatics tools for the prediction of the effect of amino acid changes on protein structure and function yielded predictions that this variant is benign. Based on the available information, we are unable to determine the clinical significance of this variant.

Blueprint Genetics
Classification: Likely benign. Last evaluated: 2022-02-24. Review status: criteria provided, single submitter. Criteria: ACMG Guidelines, 2015. Collection method: clinical testing. Allele origin: germline.